The following is an entry in ClinVar:

ClinVar aggregate classification (germline): Uncertain significance. Review status: criteria provided, multiple submitters, no conflicts (2 of 4 stars). 2 submissions from 2 submitters: Uncertain significance (2). Last evaluated 2024-01-03.

Conditions:
Nephrolithiasis/nephrocalcinosis. Identifiers: MedGen CN580796.

Allele frequency attached by ClinVar (database versions not stated): gnomAD exomes below 0.00001 and 0.00001; TOPMed below 0.00001; ExAC 0.00002.
gnomAD v4.1: 2 of 1,613,556 alleles (0.00012%); highest among the groups gnomAD compares: East Asian, 0.0045%; no homozygotes.

Submissions (2):

Ambry Genetics
Classification: Uncertain significance for Nephrolithiasis/nephrocalcinosis. Last evaluated: 2024-01-03. Review status: criteria provided, single submitter. Criteria: Ambry Variant Classification Scheme 2023. Collection method: clinical testing. Allele origin: germline.

Labcorp Genetics (formerly Invitae), Labcorp
Classification: Uncertain significance. Last evaluated: 2021-09-01. Review status: criteria provided, single submitter. Criteria: Invitae Variant Classification Sherloc (09022015). Collection method: clinical testing. Allele origin: germline.
Comment: This sequence change replaces isoleucine with threonine at codon 40 of the GRHPR protein (p.Ile40Thr). The isoleucine residue is moderately conserved and there is a moderate physicochemical difference between isoleucine and threonine. This variant is present in population databases (rs769706192, ExAC 0.02%). This variant has not been reported in the literature in individuals affected with GRHPR-related conditions. Algorithms developed to predict the effect of missense changes on protein structure and function (SIFT, PolyPhen-2, Align-GVGD) all suggest that this variant is likely to be disruptive. In summary, the available evidence is currently insufficient to determine the role of this variant in disease. Therefore, it has been classified as a Variant of Uncertain Significance.

NM_012203.2(GRHPR):c.119T>C (p.Ile40Thr)

Gene: GRHPR (glyoxylate and hydroxypyruvate reductase; plus strand). Cytogenetic location: 9p13.2.
Variant type: single nucleotide variant.
Coding change: c.119T>C on transcript NM_012203.2 (MANE Select); coding-DNA position 119, T replaced by C.
Protein change: p.Ile40Thr; replaces isoleucine 40 with threonine.
Molecular consequence: missense variant.
Genome position (GRCh38, 1-based): chr9:37,424,880, T>C. VCF-style: chr9-37424880-T-C. GRCh37 (hg19) VCF-style: chr9-37424877-T-C.
Other names: c.119T>C (NM_012203.1); short protein forms I40T.
Identifiers: ClinVar variation 1435234 (VCV001435234.6), dbSNP rs769706192, ClinGen allele CA5058927.